The following is an entry in ClinVar:

ClinVar aggregate classification (germline): Uncertain significance. Review status: criteria provided, single submitter (1 of 4 stars). 2 submissions from 2 submitters: Uncertain significance (1). 1 of the submissions does not count toward it. Last evaluated 2025-08-24.

Conditions:
Bloom syndrome (BLM). Also called: Bloom-Torre-Machacek syndrome. Identifiers: Orphanet 125, MedGen C0005859, MONDO:0008876, OMIM 210900.

Allele frequency attached by ClinVar (database versions not stated): ESP Exome Variant Server 0.00008.
gnomAD v4.1: 2 of 1,614,094 alleles (0.00012%); highest among the groups gnomAD compares: Non-Finnish European, 0.00017%; no homozygotes.

Submissions (2):

Labcorp Genetics (formerly Invitae), Labcorp
Classification: Uncertain significance for Bloom syndrome. Last evaluated: 2025-08-24. Review status: criteria provided, single submitter. Criteria: Invitae Variant Classification Sherloc (09022015). Collection method: clinical testing. Allele origin: germline.
Comment: This sequence change replaces proline, which is neutral and non-polar, with alanine, which is neutral and non-polar, at codon 1257 of the BLM protein (p.Pro1257Ala). This variant is not present in population databases (gnomAD no frequency). This variant has not been reported in the literature in individuals affected with BLM-related conditions. ClinVar contains an entry for this variant (Variation ID: 948402). Invitae Evidence Modeling of protein sequence and biophysical properties (such as structural, functional, and spatial information, amino acid conservation, physicochemical variation, residue mobility, and thermodynamic stability) indicates that this missense variant is not expected to disrupt BLM protein function with a negative predictive value of 80%. In summary, the available evidence is currently insufficient to determine the role of this variant in disease. Therefore, it has been classified as a Variant of Uncertain Significance.

Natera, Inc.
Classification: Uncertain significance for Bloom syndrome. Last evaluated: 2020-01-24. Review status: no assertion criteria provided. Collection method: clinical testing. Allele origin: germline. Not counted in ClinVar's aggregate classification.

NM_000057.4(BLM):c.3769C>G (p.Pro1257Ala)

Gene: BLM (BLM RecQ like helicase; plus strand). Cytogenetic location: 15q26.1.
Variant type: single nucleotide variant.
Coding change: c.3769C>G on transcript NM_000057.4 (MANE Select); coding-DNA position 3769, C replaced by G.
Protein change: p.Pro1257Ala; replaces proline 1257 with alanine.
Molecular consequence: missense variant.
Genome position (GRCh38, 1-based): chr15:90,809,154, C>G. VCF-style: chr15-90809154-C-G. GRCh37 (hg19) VCF-style: chr15-91352384-C-G.
Other names: c.3769C>G, p.Pro1257Ala (NM_001287246.2); c.3376C>G, p.Pro1126Ala (NM_001287247.2); c.2644C>G, p.Pro882Ala (NM_001287248.2); short protein forms P1257A, P1126A, P882A.
Identifiers: ClinVar variation 948402 (VCV000948402.13), dbSNP rs144964365, ClinGen allele CA274727753.